The following is an entry in ClinVar:

ClinVar aggregate classification (germline): Uncertain significance (1 of 4 stars; one submission).

Conditions:
Tuberous sclerosis 1 (TSC1). Identifiers: Orphanet 805, MedGen C1854465, MONDO:0008612, OMIM 191100.

Submission:

Labcorp Genetics (formerly Invitae), Labcorp
Classification: Uncertain significance for Tuberous sclerosis 1. Last evaluated: 2024-04-29. Review status: criteria provided, single submitter. Criteria: Invitae Variant Classification Sherloc (09022015). Collection method: clinical testing. Allele origin: germline.
Comment: This sequence change replaces leucine, which is neutral and non-polar, with valine, which is neutral and non-polar, at codon 203 of the TSC1 protein (p.Leu203Val). This variant is not present in population databases (gnomAD no frequency). This variant has not been reported in the literature in individuals affected with TSC1-related conditions. Advanced modeling of protein sequence and biophysical properties (such as structural, functional, and spatial information, amino acid conservation, physicochemical variation, residue mobility, and thermodynamic stability) performed at Invitae indicates that this missense variant is not expected to disrupt TSC1 protein function with a negative predictive value of 95%. In summary, the available evidence is currently insufficient to determine the role of this variant in disease. Therefore, it has been classified as a Variant of Uncertain Significance.

NM_000368.5(TSC1):c.607T>G (p.Leu203Val)

Gene: TSC1 (TSC complex subunit 1; minus strand). Cytogenetic location: 9q34.13.
Variant type: single nucleotide variant.
Coding change: c.607T>G on transcript NM_000368.5 (MANE Select); coding-DNA position 607, T replaced by G.
Protein change: p.Leu203Val; replaces leucine 203 with valine.
Molecular consequence: missense variant. On other transcripts: 5 prime UTR variant (5), non-coding transcript variant (5).
Genome position (GRCh38, 1-based): chr9:132,921,875, A>C on the plus strand (T>G on the coding strand, the complement: TSC1 is on the minus strand). VCF-style: chr9-132921875-A-C. GRCh37 (hg19) VCF-style: chr9-135797262-A-C.
Other names: c.607T>G, p.Leu203Val (NM_001162426.2, NM_001406592.1, NM_001406593.1 and 16 more transcripts); c.454T>G, p.Leu152Val (NM_001162427.2, NM_001406610.1, NM_001406611.1 and 2 more transcripts); c.244T>G, p.Leu82Val (NM_001362177.2, NM_001406618.1, NM_001406619.1 and 10 more transcripts); c.-271T>G (NM_001406626.1, NM_001406627.1, NM_001406628.1); c.-413T>G (NM_001406629.1); c.-487T>G (NM_001406630.1); short protein forms L152V, L203V, L82V.
Identifiers: ClinVar variation 2837262 (VCV002837262.3), dbSNP rs2539011458, ClinGen allele CA375372488.
Genomic context (GRCh38, chr9:132,921,875, plus strand): 5'-TTACCTTGACCACTTCTTCAAAAGTCTCCAGGTTTTCTTTCATACTGTAATGAGAACGCA[A>C]AAAGGAGACGAAGTTGCAAGGGTACATTCCATAAAGGCGATGAAAGAGTGCGTACACACT-3'
Protein context (NP_000359.1, residues 193-213): GMYPCNFVSF[Leu203Val]RSHYSMKENL